The following is an entry in ClinVar:

ClinVar aggregate classification (germline): other (0 of 4 stars; one submission).

Conditions:
Familial colorectal cancer. Identifiers: MedGen CN280943, MONDO:0023113. Disease mechanism: loss of function.

Submission:

Systems Biology Platform Zhejiang California International NanoSystems Institute
Classification: other for Familial colorectal cancer. Review status: no assertion criteria provided. Collection method: not provided. Allele origin: unknown.
ClinVar note: Converted during submission from cancer to other.

NM_000038.6(APC):c.135+4410G>T

Gene: APC (APC regulator of WNT signaling pathway; plus strand). Cytogenetic location: 5q22.2.
Variant type: single nucleotide variant.
Coding change: c.135+4410G>T on transcript NM_000038.6 (MANE Select); 4410 bases into the intron after coding-DNA position 135, G replaced by T.
Molecular consequence: intron variant.
Genome position (GRCh38, 1-based): chr5:112,759,435, G>T. VCF-style: chr5-112759435-G-T. GRCh37 (hg19) VCF-style: chr5-112095132-G-T.
Other names: c.135+4410G>T (NM_001354895.2, NM_001127510.3, NM_001354896.2 and 2 more transcripts); c.166-6891G>T (NM_001354897.2, NM_001354902.2, NM_001127511.3); c.61-6891G>T (NM_001354898.2, NM_001354904.2); c.-901+4410G>T (NM_001354906.2); c.-42-6891G>T (NM_001354900.2, NM_001354901.2, NM_001354905.2).
Identifiers: ClinVar variation 82831 (VCV000082831.2), dbSNP rs75876029, ClinGen allele CA004377.
Genomic context (GRCh38, chr5:112,759,435, plus strand): 5'-TTGAGACCGAGTCTTGCTCTGTCACCAGGCTGGAGTGCAGTGACATGATCTTGGCTGTCT[G>T]CAACCTCCGCCTCCCGGGTTCAAGCTAATCTCCTGCCTCAGCCTCCCGAGTAGCTGGGAC-3'